The following is an entry in ClinVar:

ClinVar aggregate classification (germline): Uncertain significance (1 of 4 stars; one submission).

gnomAD v4.1: 1 of 1,614,140 alleles (0.000062%); highest among the groups gnomAD compares: Non-Finnish European, 0.000085%; no homozygotes.

Submission:

Women's Health and Genetics/Laboratory Corporation of America, LabCorp
Classification: Uncertain significance. Last evaluated: 2024-08-14. Review status: criteria provided, single submitter. Criteria: LabCorp Variant Classification Summary - May 2015. Collection method: clinical testing. Allele origin: germline.
Comment: Variant summary: COL4A4 c.3920G>C (p.Gly1307Ala) results in a non-conservative amino acid change in the encoded protein sequence. Five of five in-silico tools predict a damaging effect of the variant on protein function. The variant was absent in 249342 control chromosomes. The available data on variant occurrences in the general population are insufficient to allow any conclusion about variant significance. To our knowledge, no occurrence of c.3920G>C in individuals affected with Alport Syndrome, Autosomal Recessive and no experimental evidence demonstrating its impact on protein function have been reported. No submitters have cited clinical-significance assessments for this variant to ClinVar. Based on the evidence outlined above, the variant was classified as uncertain significance.

NM_000092.5(COL4A4):c.3920G>C (p.Gly1307Ala)

Gene: COL4A4 (collagen type IV alpha 4 chain; minus strand). Cytogenetic location: 2q36.3.
Variant type: single nucleotide variant.
Coding change: c.3920G>C on transcript NM_000092.5 (MANE Select); coding-DNA position 3920, G replaced by C.
Protein change: p.Gly1307Ala; replaces glycine 1307 with alanine.
Molecular consequence: missense variant.
Genome position (GRCh38, 1-based): chr2:227,030,496, C>G on the plus strand (G>C on the coding strand, the complement: COL4A4 is on the minus strand). VCF-style: chr2-227030496-C-G. GRCh37 (hg19) VCF-style: chr2-227895212-C-G.
Other names: short protein forms G1307A.
Identifiers: ClinVar variation 3366789 (VCV003366789.1).